The following is an entry in ClinVar:

ClinVar aggregate classification (germline): Uncertain significance (1 of 4 stars; one submission).

Conditions:
Inborn genetic diseases. Identifiers: MedGen C0950123, MeSH D030342.

Submission:

Ambry Genetics
Classification: Uncertain significance for Inborn genetic diseases. Last evaluated: 2026-03-28. Review status: criteria provided, single submitter. Criteria: Ambry Variant Classification Scheme 2023. Collection method: clinical testing. Allele origin: germline.
Comment: The p.P1427T variant (also known as c.4279C>A), located in coding exon 13 of the ASXL1 gene, results from a C to A substitution at nucleotide position 4279. The proline at codon 1427 is replaced by threonine, an amino acid with highly similar properties. This amino acid position is conserved. In addition, this alteration is predicted to be tolerated by in silico analysis. Based on the available evidence, the clinical significance of this variant remains unclear.

NM_015338.6(ASXL1):c.4279C>A (p.Pro1427Thr)

Gene: ASXL1 (ASXL transcriptional regulator 1; plus strand). Cytogenetic location: 20q11.21.
Variant type: single nucleotide variant.
Coding change: c.4279C>A on transcript NM_015338.6 (MANE Select); coding-DNA position 4279, C replaced by A.
Protein change: p.Pro1427Thr; replaces proline 1427 with threonine.
Molecular consequence: missense variant.
Genome position (GRCh38, 1-based): chr20:32,436,991, C>A. VCF-style: chr20-32436991-C-A. GRCh37 (hg19) VCF-style: chr20-31024794-C-A.
Other names: c.4096C>A, p.Pro1366Thr (NM_001363734.1); short protein forms P1366T, P1427T.
Identifiers: ClinVar variation 4864127 (VCV004864127.1).